The following is an entry in ClinVar:

NM_024649.5(BBS1):c.163G>A (p.Val55Met)

Gene: BBS1 (Bardet-Biedl syndrome 1; plus strand). Cytogenetic location: 11q13.2.
Variant type: single nucleotide variant.
Coding change: c.163G>A on transcript NM_024649.5 (MANE Select); coding-DNA position 163, G replaced by A.
Protein change: p.Val55Met; replaces valine 55 with methionine.
Molecular consequence: missense variant.
Genome position (GRCh38, 1-based): chr11:66,514,409, G>A. VCF-style: chr11-66514409-G-A. GRCh37 (hg19) VCF-style: chr11-66281880-G-A.
Other names: c.163G>A (NM_024649.4); short protein forms V55M.
Identifiers: ClinVar variation 990061 (VCV000990061.10), dbSNP rs181765153, ClinGen allele CA6123281.
Genomic context (GRCh38, chr11:66,514,409, plus strand): 5'-GGTCAGTGGAGAGGTCTTCAGACCCTGAGCCTAGAATGAGCCATCCTCTCCCTGCAGCTG[G>A]TGGTAGGGGACCTTGGCCCTGGTGGGCAGCAGCCCCGCCTGAAGGTGCTCAAAGGACCAC-3'
Protein context (NP_078925.3, residues 45-65): DLHGDGEYKL[Val55Met]VGDLGPGGQQ

ClinVar aggregate classification (germline): Uncertain significance. Review status: criteria provided, multiple submitters, no conflicts (2 of 4 stars). 7 submissions from 7 submitters: Uncertain significance (4). 3 of the submissions do not count toward it. Last evaluated 2025-01-23.

Conditions:
concomitant exotropia.
Retinal dystrophy. Also called: Inherited retinal dystrophy. Identifiers: Orphanet 71862, MedGen C0854723, MeSH D058499, MONDO:0019118, HP:0000556.
Bardet-Biedl syndrome 1 (BBS1). Identifiers: MedGen C2936862, MONDO:0008854, OMIM 209900. Disease mechanism: loss of function.
BBS1-related disorder. Also called: BBS1-related condition.
Bardet-Biedl syndrome (BBS). Identifiers: Orphanet 110, MedGen C0752166, MONDO:0015229.

Allele frequency attached by ClinVar (database versions not stated): gnomAD 0.00004 and 0.00006; TOPMed 0.00004; ExAC 0.00010; gnomAD exomes 0.00014; 1000 Genomes Project 30x 0.00047; 1000 Genomes Project 0.00060.

Submissions (7):

Labcorp Genetics (formerly Invitae), Labcorp
Classification: Uncertain significance for Bardet-Biedl syndrome. Last evaluated: 2025-01-23. Review status: criteria provided, single submitter. Criteria: Invitae Variant Classification Sherloc (09022015). Collection method: clinical testing. Allele origin: germline.
Comment: This sequence change replaces valine, which is neutral and non-polar, with methionine, which is neutral and non-polar, at codon 55 of the BBS1 protein (p.Val55Met). This variant is present in population databases (rs181765153, gnomAD 0.2%). This variant has not been reported in the literature in individuals affected with BBS1-related conditions. ClinVar contains an entry for this variant (Variation ID: 990061). Invitae Evidence Modeling of protein sequence and biophysical properties (such as structural, functional, and spatial information, amino acid conservation, physicochemical variation, residue mobility, and thermodynamic stability) has been performed for this missense variant. However, the output from this modeling did not meet the statistical confidence thresholds required to predict the impact of this variant on BBS1 protein function. In summary, the available evidence is currently insufficient to determine the role of this variant in disease. Therefore, it has been classified as a Variant of Uncertain Significance.

Blueprint Genetics
Classification: Uncertain significance. Last evaluated: 2024-05-29. Review status: criteria provided, single submitter. Criteria: ACMG Guidelines, 2015. Collection method: clinical testing. Allele origin: germline.

Fulgent Genetics
Classification: Uncertain significance for Bardet-Biedl syndrome 1. Last evaluated: 2024-01-26. Review status: criteria provided, single submitter. Criteria: ACMG Guidelines, 2015. Collection method: clinical testing. Allele origin: germline.

Dept Of Ophthalmology, Nagoya University
Classification: Uncertain significance for Retinal dystrophy. Last evaluated: 2023-10-01. Review status: criteria provided, single submitter. Criteria: Submitter's publication. Collection method: research. Allele origin: germline. Affected: yes.

Ophthalmology Lab, The First People's Hospital of Yunnan Provience
Classification: Likely pathogenic for concomitant exotropia. Last evaluated: 2024-10-10. Review status: no assertion criteria provided. Collection method: clinical testing. Allele origin: inherited. Affected: yes. Observed: 8 variant alleles. Not counted in ClinVar's aggregate classification.
Comment: Dominant inheritance. Mutations in this gene have been observed in patients with the major form (type 1) of Bardet-Biedl syndrome. The encoded protein may play a role in eye, limb, cardiac and reproductive system development. In an extended family of 11 people, eight members diagnosed with concomitant exotropia were found to have mutations in the same gene locus BBS1 c.163G>A(p.V55M).

PreventionGenetics, part of Exact Sciences
Classification: Likely benign for BBS1-related condition. Last evaluated: 2022-10-04. Review status: no assertion criteria provided. Collection method: clinical testing. Allele origin: germline. Not counted in ClinVar's aggregate classification.
Comment: This variant is classified as likely benign based on ACMG/AMP sequence variant interpretation guidelines (Richards et al. 2015 PMID: 25741868, with internal and published modifications).

Natera, Inc.
Classification: Uncertain significance for Bardet-Biedl syndrome type 1. Last evaluated: 2020-04-14. Review status: no assertion criteria provided. Collection method: clinical testing. Allele origin: germline. Not counted in ClinVar's aggregate classification.